The following is an entry in ClinVar:

NM_000051.4(ATM):c.1363G>A (p.Val455Met)

Gene: ATM (ATM serine/threonine kinase; plus strand). Cytogenetic location: 11q22.3.
Variant type: single nucleotide variant.
Coding change: c.1363G>A on transcript NM_000051.4 (MANE Select); coding-DNA position 1363, G replaced by A.
Protein change: p.Val455Met; replaces valine 455 with methionine.
Molecular consequence: missense variant.
Genome position (GRCh38, 1-based): chr11:108,250,828, G>A. VCF-style: chr11-108250828-G-A. GRCh37 (hg19) VCF-style: chr11-108121555-G-A.
Other names: c.1363G>A, p.Val455Met (NM_001351834.2); short protein forms V455M.
Identifiers: ClinVar variation 229981 (VCV000229981.24), dbSNP rs368879876, ClinGen allele CA10579003.

ClinVar aggregate classification (germline): Uncertain significance. Review status: criteria provided, multiple submitters, no conflicts (2 of 4 stars). 6 submissions from 6 submitters: Uncertain significance (5). 1 of the submissions does not count toward it. Last evaluated 2026-02-01.

Conditions:
Hereditary cancer-predisposing syndrome. Also called: Hereditary Cancer Syndrome; Neoplastic Syndromes, Hereditary; Tumor predisposition; Hereditary neoplastic syndrome. Identifiers: Orphanet 140162, MedGen C0027672, MeSH D009386, MONDO:0015356.
Familial cancer of breast. Also called: Hereditary breast cancer; hereditary breast carcinoma; BREAST CANCER, FAMILIAL. Identifiers: Orphanet 227535, MedGen C0346153, MONDO:0016419, OMIM 114480. Disease mechanism: loss of function.
Ataxia-telangiectasia syndrome (AT). Also called: Ataxia telangiectasia (A-T); Ataxia-telangiectasia, complementation group E; LOUIS-BAR SYNDROME; Cerebello-oculocutaneous telangiectasia; Immunodeficiency with ataxia telangiectasia; Ataxia-telangiectasia, complementation group D. Identifiers: Orphanet 100, MedGen C0004135, MONDO:0008840, OMIM 208900.

Allele frequency attached by ClinVar (database versions not stated): gnomAD exomes below 0.00001 and 0.00001; TOPMed below 0.00001.
gnomAD v4.1: 10 of 1,614,074 alleles (0.00062%); highest among the groups gnomAD compares: South Asian, 0.0055%; no homozygotes.

Submissions (6):

Labcorp Genetics (formerly Invitae), Labcorp
Classification: Uncertain significance for Ataxia-telangiectasia syndrome. Last evaluated: 2026-02-01. Review status: criteria provided, single submitter. Criteria: Invitae Variant Classification Sherloc (09022015). Collection method: clinical testing. Allele origin: germline.
Comment: This sequence change replaces valine, which is neutral and non-polar, with methionine, which is neutral and non-polar, at codon 455 of the ATM protein (p.Val455Met). This variant is present in population databases (rs368879876, gnomAD 0.006%). This variant has not been reported in the literature in individuals affected with ATM-related conditions. ClinVar contains an entry for this variant (Variation ID: 229981). Invitae Evidence Modeling of protein sequence and biophysical properties (such as structural, functional, and spatial information, amino acid conservation, physicochemical variation, residue mobility, and thermodynamic stability) indicates that this missense variant is not expected to disrupt ATM protein function with a negative predictive value of 95%. In summary, the available evidence is currently insufficient to determine the role of this variant in disease. Therefore, it has been classified as a Variant of Uncertain Significance.

Ambry Genetics
Classification: Uncertain significance for Hereditary cancer-predisposing syndrome. Last evaluated: 2024-06-06. Review status: criteria provided, single submitter. Criteria: Ambry Variant Classification Scheme 2023. Collection method: clinical testing. Allele origin: germline.
Comment: The p.V455M variant (also known as c.1363G>A), located in coding exon 9 of the ATM gene, results from a G to A substitution at nucleotide position 1363. The valine at codon 455 is replaced by methionine, an amino acid with highly similar properties. This amino acid position is highly conserved in available vertebrate species. In addition, the in silico prediction for this alteration is inconclusive. Based on the available evidence, the clinical significance of this variant remains unclear.

Color Diagnostics, LLC DBA Color Health
Classification: Uncertain significance for Hereditary cancer-predisposing syndrome. Last evaluated: 2024-03-06. Review status: criteria provided, single submitter. Criteria: ACMG Guidelines, 2015. Collection method: clinical testing. Allele origin: germline.
Comment: This missense variant replaces valine with methionine at codon 455 of the ATM protein. Computational prediction suggests that this variant may not impact protein structure and function (internally defined REVEL score threshold <= 0.5, PMID: 27666373). To our knowledge, functional studies have not been reported for this variant. This variant has not been reported in individuals affected with ATM-related disorders in the literature. This variant has been identified in 3/251402 chromosomes in the general population by the Genome Aggregation Database (gnomAD). The available evidence is insufficient to determine the role of this variant in disease conclusively. Therefore, this variant is classified as a Variant of Uncertain Significance.

Baylor Genetics
Classification: Uncertain significance for Familial cancer of breast. Last evaluated: 2023-07-05. Review status: criteria provided, single submitter. Criteria: ACMG Guidelines, 2015. Collection method: clinical testing. Allele origin: unknown.

Neuberg Centre For Genomic Medicine, NCGM
Classification: Uncertain significance for Familial cancer of breast. Review status: criteria provided, single submitter. Criteria: ACMG Guidelines, 2015. Collection method: clinical testing. Allele origin: germline. Inheritance: Autosomal dominant inheritance. Affected: yes.
Comment: The missense variant c.1363G>A (p.Val455Met) in ATM has been submitted to ClinVar as a Variant of Uncertain Significance (VUS). The p.Val455Met variant has allele frequency of 0.0012% in the gnomAD and novel (not in any individuals) in 1000 genome database. The amino acid Val at position 455 is changed to a Met changing protein sequence and it might alter its composition and physico-chemical properties. The amino acid change p.Val455Met in ATM is predicted as conserved by GERP++ and PhyloP across 100 vertebrates. For these reasons, this variant has been classified as Uncertain Significance (VUS).

Natera, Inc.
Classification: Uncertain significance for Ataxia-telangiectasia. Last evaluated: 2020-10-15. Review status: no assertion criteria provided. Collection method: clinical testing. Allele origin: germline. Not counted in ClinVar's aggregate classification.